The following is an entry in ClinVar:

ClinVar aggregate classification (germline): Uncertain significance (1 of 4 stars; one submission).

Submission:

Women's Health and Genetics/Laboratory Corporation of America, LabCorp
Classification: Uncertain significance. Last evaluated: 2024-09-30. Review status: criteria provided, single submitter. Criteria: LabCorp Variant Classification Summary - May 2015. Collection method: clinical testing. Allele origin: germline.
Comment: Variant summary: EP300 c.4073A>C (p.Lys1358Thr) results in a non-conservative amino acid change located in the CBP/p300-type histone acetyltransferase domain (IPR031162) of the encoded protein sequence. Five of five in-silico tools predict a damaging effect of the variant on protein function. The variant was absent in 251482 control chromosomes. The available data on variant occurrences in the general population are insufficient to allow any conclusion about variant significance. To our knowledge, no occurrence of c.4073A>C in individuals affected with Rubinstein-Taybi Syndrome 2 and no experimental evidence demonstrating its impact on protein function have been reported. No submitters have cited clinical-significance assessments for this variant to ClinVar. Based on the evidence outlined above, the variant was classified as uncertain significance.

NM_001429.4(EP300):c.4073A>C (p.Lys1358Thr)

Gene: EP300 (E1A binding protein p300; plus strand). Cytogenetic location: 22q13.2.
Variant type: single nucleotide variant.
Coding change: c.4073A>C on transcript NM_001429.4 (MANE Select); coding-DNA position 4073, A replaced by C.
Protein change: p.Lys1358Thr; replaces lysine 1358 with threonine.
Molecular consequence: missense variant.
Genome position (GRCh38, 1-based): chr22:41,168,768, A>C. VCF-style: chr22-41168768-A-C. GRCh37 (hg19) VCF-style: chr22-41564772-A-C.
Other names: c.3995A>C, p.Lys1332Thr (NM_001362843.2); short protein forms K1332T, K1358T.
Identifiers: ClinVar variation 3374949 (VCV003374949.1).